The following is an entry in ClinVar:

NM_021939.4(FKBP10):c.1363A>G (p.Ile455Val)

Gene: FKBP10 (FKBP prolyl isomerase 10; plus strand). Cytogenetic location: 17q21.2.
Variant type: single nucleotide variant.
Coding change: c.1363A>G on transcript NM_021939.4 (MANE Select); coding-DNA position 1363, A replaced by G.
Protein change: p.Ile455Val; replaces isoleucine 455 with valine.
Molecular consequence: missense variant.
Genome position (GRCh38, 1-based): chr17:41,821,053, A>G. VCF-style: chr17-41821053-A-G. GRCh37 (hg19) VCF-style: chr17-39977305-A-G.
Other names: short protein forms I455V.
Identifiers: ClinVar variation 618129 (VCV000618129.52), dbSNP rs146701946, ClinGen allele CA8566623.
Genomic context (GRCh38, chr17:41,821,053, plus strand): 5'-GTGATCGAAGGCCTGGACACGGGCCTGCAGGGCATGTGTGTGGGAGAGAGGCGGCAGCTC[A>G]TCGTGCCCCCGCACCTGGCCCACGGGGAGAGTGGAGGTGAGGGGCTGAGACCATAATCTT-3'
Protein context (NP_068758.3, residues 445-465): GMCVGERRQL[Ile455Val]VPPHLAHGES

ClinVar aggregate classification (germline): Conflicting classifications of pathogenicity. Review status: criteria provided, conflicting classifications (1 of 4 stars). 9 submissions from 9 submitters: Uncertain significance (1); Benign (2); Likely benign (3). 3 of the submissions do not count toward it. Last evaluated 2026-05-21.

Conditions:
Osteogenesis imperfecta type 11. Also called: Osteogenesis imperfecta, type XI; OI, TYPE XI. Identifiers: Orphanet 666, MedGen C3151218, MONDO:0012592, OMIM 610968.
FKBP10-related disorder. Also called: FKBP10-related condition.

Allele frequency attached by ClinVar (database versions not stated): TOPMed 0.00079; gnomAD 0.00098 and 0.00105; 1000 Genomes Project 0.00120; 1000 Genomes Project 30x 0.00125; gnomAD exomes 0.00132 and 0.00133; ESP Exome Variant Server 0.00139; ExAC 0.00257.
gnomAD v4.1: 2,026 of 1,584,410 alleles (0.13%); highest among the groups gnomAD compares: South Asian, 0.36%; 9 homozygotes.

Submissions (9):

Women's Health and Genetics/Laboratory Corporation of America, LabCorp
Classification: Likely benign. Last evaluated: 2026-05-21. Review status: criteria provided, single submitter. Criteria: LabCorp Variant Classification Summary - May 2015. Collection method: clinical testing. Allele origin: germline.
Comment: Variant summary: FKBP10 c.1363A>G (p.Ile455Val) results in a conservative amino acid change in the encoded protein sequence. Algorithms developed to predict the effect of missense changes on protein structure and function all suggest that this variant is likely to be tolerated. The variant allele was found at a frequency of 0.0013 in 202822 control chromosomes, predominantly at a frequency of 0.0033 within the South Asian subpopulation in the gnomAD database, including 3 homozygotes. The observed variant frequency within South Asian control individuals in the gnomAD database exceeds the estimated maximal expected allele frequency for disease-causing variants in FKBP10. To our knowledge, no occurrence of c.1363A>G in individuals affected with FKBP10-related conditions and no experimental evidence demonstrating its impact on protein function have been reported. ClinVar contains an entry for this variant (Variation ID: 618129). Based on the evidence outlined above, the variant was classified as likely benign.

Labcorp Genetics (formerly Invitae), Labcorp
Classification: Benign. Last evaluated: 2026-02-04. Review status: criteria provided, single submitter. Criteria: Invitae Variant Classification Sherloc (09022015). Collection method: clinical testing. Allele origin: germline.

CeGaT Center for Human Genetics Tuebingen
Classification: Likely benign. Last evaluated: 2023-07-01. Review status: criteria provided, single submitter. Criteria: CeGaT Center For Human Genetics Tuebingen Variant Classification Criteria Version 2. Collection method: clinical testing. Allele origin: germline. Affected: yes. Observed: 1 variant allele.
Comment: FKBP10: BP4, BS2

ARUP Laboratories, Molecular Genetics and Genomics, ARUP Laboratories
Classification: Benign. Last evaluated: 2023-06-13. Review status: criteria provided, single submitter. Criteria: ARUP Molecular Germline Variant Investigation Process 2024. Collection method: clinical testing. Allele origin: germline.

GeneDx
Classification: Likely benign. Last evaluated: 2020-11-06. Review status: criteria provided, single submitter. Criteria: GeneDx Variant Classification Process June 2021. Collection method: clinical testing. Allele origin: germline. Affected: yes.

Illumina Laboratory Services, Illumina
Classification: Uncertain significance for Osteogenesis imperfecta type 11. Last evaluated: 2018-01-13. Review status: criteria provided, single submitter. Criteria: ICSL Variant Classification Criteria 13 December 2019. Collection method: clinical testing. Allele origin: germline.

PreventionGenetics, part of Exact Sciences
Classification: Likely benign for FKBP10-related condition. Last evaluated: 2022-04-06. Review status: no assertion criteria provided. Collection method: clinical testing. Allele origin: germline. Not counted in ClinVar's aggregate classification.
Comment: This variant is classified as likely benign based on ACMG/AMP sequence variant interpretation guidelines (Richards et al. 2015 PMID: 25741868, with internal and published modifications).

Clinical Genetics DNA and cytogenetics Diagnostics Lab, Erasmus MC, Erasmus Medical Center
Classification: Likely benign. Review status: no assertion criteria provided. Collection method: clinical testing. Allele origin: germline. Affected: yes. Study: VKGL Data-share Consensus. Not counted in ClinVar's aggregate classification.

Genome Diagnostics Laboratory, Amsterdam University Medical Center
Classification: Likely benign. Review status: no assertion criteria provided. Collection method: clinical testing. Allele origin: germline. Affected: yes. Study: VKGL Data-share Consensus. Not counted in ClinVar's aggregate classification.